The following is an entry in ClinVar:

ClinVar aggregate classification (germline): Pathogenic (1 of 4 stars; one submission).

Submission:

Labcorp Genetics (formerly Invitae), Labcorp
Classification: Pathogenic. Last evaluated: 2024-09-21. Review status: criteria provided, single submitter. Criteria: Invitae Variant Classification Sherloc (09022015). Collection method: clinical testing. Allele origin: germline.
Comment: This sequence change creates a premature translational stop signal (p.Leu755Tyrfs*37) in the COL4A5 gene. It is expected to result in an absent or disrupted protein product. Loss-of-function variants in COL4A5 are known to be pathogenic (PMID: 9195222, 10752524, 14514738, 24854265, 26809805). This variant is not present in population databases (gnomAD no frequency). This variant has not been reported in the literature in individuals affected with COL4A5-related conditions. ClinVar contains an entry for this variant (Variation ID: 1070099). For these reasons, this variant has been classified as Pathogenic.

Literature cited by the submitters: PubMed 9195222; PubMed 10752524; PubMed 14514738; PubMed 24854265; PubMed 26809805.

NM_033380.3(COL4A5):c.2262del (p.Leu755fs)

Gene: COL4A5 (collagen type IV alpha 5 chain; plus strand). Cytogenetic location: Xq22.3.
Variant type: Deletion.
Coding change: c.2262del on transcript NM_033380.3 (MANE Select); coding-DNA position 2262, one base deleted (A; older notation c.2262delA).
Protein change: p.Leu755fs; shifts the reading frame from leucine 755.
Molecular consequence: frameshift variant.
Genome position (GRCh38, 1-based): chrX:108,606,759, A deleted. VCF-style (leftmost placement, unchanged base first): chrX-108606758-CA-C. GRCh37 (hg19) VCF-style: chrX-107849988-CA-C.
Other names: c.2262del, p.Leu755fs (NM_000495.5); short protein forms L755fs.
Identifiers: ClinVar variation 1070099 (VCV001070099.7), dbSNP rs2147831991, ClinGen allele CA2499226316.